The following is an entry in ClinVar:

NM_001377.3(DYNC2H1):c.12039+277C>T

Gene: DYNC2H1 (dynein cytoplasmic 2 heavy chain 1; plus strand). Cytogenetic location: 11q22.3.
Variant type: single nucleotide variant.
Coding change: c.12039+277C>T on transcript NM_001377.3 (MANE Select); 277 bases into the intron after coding-DNA position 12039, C replaced by T.
Molecular consequence: intron variant.
Genome position (GRCh38, 1-based): chr11:103,324,267, C>T. VCF-style: chr11-103324267-C-T. GRCh37 (hg19) VCF-style: chr11-103194995-C-T.
Other names: c.12060+277C>T (NM_001080463.2).
Identifiers: ClinVar variation 673032 (VCV000673032.1), dbSNP rs11225715, ClinGen allele CA227435857.

ClinVar aggregate classification (germline): Benign (1 of 4 stars; one submission).

Allele frequency attached by ClinVar (database versions not stated): gnomAD 0.03115 and 0.03342; TOPMed 0.03565; 1000 Genomes Project 0.03594; 1000 Genomes Project 30x 0.03982.
gnomAD v4.1: 4,682 of 151,940 alleles (3.1%); highest among the groups gnomAD compares: African/African-American, 11%; 238 homozygotes.

Submission:

GeneDx
Classification: Benign. Last evaluated: 2018-06-14. Review status: criteria provided, single submitter. Criteria: GeneDx Variant Classification (06012015). Collection method: clinical testing. Allele origin: germline. Affected: yes.
Comment: This variant is considered likely benign or benign based on one or more of the following criteria: it is a conservative change, it occurs at a poorly conserved position in the protein, it is predicted to be benign by multiple in silico algorithms, and/or has population frequency not consistent with disease.